The following is an entry in ClinVar:

NM_152743.4(BRAT1):c.2327T>C (p.Leu776Pro)

Gene: BRAT1 (BRCA1 associated ATM activator 1; minus strand). Cytogenetic location: 7p22.3.
Variant type: single nucleotide variant.
Coding change: c.2327T>C on transcript NM_152743.4 (MANE Select); coding-DNA position 2327, T replaced by C.
Protein change: p.Leu776Pro; replaces leucine 776 with proline.
Molecular consequence: missense variant. On other transcripts: non-coding transcript variant (1).
Genome position (GRCh38, 1-based): chr7:2,538,208, A>G on the plus strand (T>C on the coding strand, the complement: BRAT1 is on the minus strand). VCF-style: chr7-2538208-A-G. GRCh37 (hg19) VCF-style: chr7-2577842-A-G.
Other names: c.2507T>C, p.Leu836Pro (NM_001350626.2); c.1802T>C, p.Leu601Pro (NM_001350627.2); short protein forms L601P, L836P, L776P.
Identifiers: ClinVar variation 2143042 (VCV002143042.5), dbSNP rs2534280538, ClinGen allele CA366623116.

ClinVar aggregate classification (germline): Conflicting classifications of pathogenicity. Review status: criteria provided, conflicting classifications (1 of 4 stars). 2 submissions from 2 submitters: Likely pathogenic (1); Uncertain significance (1). Last evaluated 2023-03-24.

Conditions:
BRAT1-related disorder. Also called: BRAT1-related condition; BRAT1-related disorders.
Neonatal-onset encephalopathy with rigidity and seizures. Also called: Lethal neonatal spasticity-epileptic encephalopathy syndrome. Identifiers: Orphanet 435845, MedGen C3281029, MONDO:0013784, OMIM 614498.

Submissions (2):

Blueprint Genetics
Classification: Likely pathogenic for BRAT1-related disorders. Last evaluated: 2023-03-24. Review status: criteria provided, single submitter. Criteria: ACMG Guidelines, 2015. Collection method: clinical testing. Allele origin: germline. Affected: yes. Observed: 1 variant allele.

Labcorp Genetics (formerly Invitae), Labcorp
Classification: Uncertain significance for Neonatal-onset encephalopathy with rigidity and seizures. Last evaluated: 2022-04-18. Review status: criteria provided, single submitter. Criteria: Invitae Variant Classification Sherloc (09022015). Collection method: clinical testing. Allele origin: germline.
Comment: In summary, the available evidence is currently insufficient to determine the role of this variant in disease. Therefore, it has been classified as a Variant of Uncertain Significance. Algorithms developed to predict the effect of missense changes on protein structure and function (SIFT, PolyPhen-2, Align-GVGD) all suggest that this variant is likely to be disruptive. This missense change has been observed in individual(s) with clinical features of BRAT1-related conditions (Invitae). This variant is not present in population databases (gnomAD no frequency). This sequence change replaces leucine, which is neutral and non-polar, with proline, which is neutral and non-polar, at codon 776 of the BRAT1 protein (p.Leu776Pro).